The following is an entry in ClinVar:

ClinVar aggregate classification (germline): Uncertain significance (1 of 4 stars; one submission).

Conditions:
Familial thoracic aortic aneurysm and aortic dissection (TAAD). Also called: Thoracic aortic aneurysms and dissections. Identifiers: Orphanet 91387, MedGen C4707243, MONDO:0019625.

gnomAD v4.1: 4 of 1,613,590 alleles (0.00025%); no homozygotes.

Submission:

Labcorp Genetics (formerly Invitae), Labcorp
Classification: Uncertain significance for Familial thoracic aortic aneurysm and aortic dissection. Last evaluated: 2025-10-17. Review status: criteria provided, single submitter. Criteria: Invitae Variant Classification Sherloc (09022015). Collection method: clinical testing. Allele origin: germline.
Comment: This sequence change replaces tyrosine, which is neutral and polar, with cysteine, which is neutral and slightly polar, at codon 324 of the SMAD3 protein (p.Tyr324Cys). This variant is present in population databases (no rsID available, gnomAD 0.009%). This variant has not been reported in the literature in individuals affected with SMAD3-related conditions. Invitae Evidence Modeling of protein sequence and biophysical properties (such as structural, functional, and spatial information, amino acid conservation, physicochemical variation, residue mobility, and thermodynamic stability) indicates that this missense variant is not expected to disrupt SMAD3 protein function with a negative predictive value of 80%. In summary, the available evidence is currently insufficient to determine the role of this variant in disease. Therefore, it has been classified as a Variant of Uncertain Significance.

NM_005902.4(SMAD3):c.971A>G (p.Tyr324Cys)

Gene: SMAD3 (SMAD family member 3; plus strand). Cytogenetic location: 15q22.33.
Variant type: single nucleotide variant.
Coding change: c.971A>G on transcript NM_005902.4 (MANE Select); coding-DNA position 971, A replaced by G.
Protein change: p.Tyr324Cys; replaces tyrosine 324 with cysteine.
Molecular consequence: missense variant. On other transcripts: intron variant (1).
Genome position (GRCh38, 1-based): chr15:67,184,826, A>G. VCF-style: chr15-67184826-A-G. GRCh37 (hg19) VCF-style: chr15-67477164-A-G.
Other names: c.656A>G, p.Tyr219Cys (NM_001145102.2, NM_001407016.1); c.839A>G, p.Tyr280Cys (NM_001145103.2, NM_001407012.1); c.386A>G, p.Tyr129Cys (NM_001145104.2, NM_001407017.1); c.971A>G, p.Tyr324Cys (NM_001407011.1); c.824A>G, p.Tyr275Cys (NM_001407014.1); c.524A>G, p.Tyr175Cys (NM_001407015.1); c.872-2539A>G (NM_001407013.1); short protein forms Y324C, Y175C, Y275C, Y219C, Y129C, Y280C.
Identifiers: ClinVar variation 4709162 (VCV004709162.1).
Genomic context (GRCh38, chr15:67,184,826, plus strand): 5'-TCGCAGAGTGCCTCAGTGACAGCGCTATTTTTGTCCAGTCTCCCAACTGTAACCAGCGCT[A>G]TGGCTGGCACCCGGCCACCGTCTGCAAGATCCCACCAGGTAAACGAGCCGCACAGGCACC-3'
Protein context (NP_005893.1, residues 314-334): FVQSPNCNQR[Tyr324Cys]GWHPATVCKI